The following is an entry in ClinVar:

ClinVar aggregate classification (germline): Likely pathogenic (1 of 4 stars; one submission).

Conditions:
Neurodevelopmental disorder. Identifiers: MedGen C1535926, MeSH D065886, MONDO:0700092.

Submission:

Institute of Human Genetics, University of Leipzig Medical Center
Classification: Likely pathogenic for Neurodevelopmental disorder. Last evaluated: 2024-02-12. Review status: criteria provided, single submitter. Criteria: ACMG Guidelines, 2015. Collection method: clinical testing. Allele origin: de novo. Affected: yes.
Comment: This variant was identified as de novo (maternity and paternity confirmed) Criteria applied: PM2_SUP, PS2_MOD, PP3, PS3_MOD, PM1_SUP

Literature cited by the submitters: DOI 10.1007/s00439-024-02655-4.

NM_001363540.2(DOCK4):c.2945C>T (p.Thr982Ile)

Genes: DOCK4 (dedicator of cytokinesis 4; minus strand), DOCK4-AS1 (DOCK4 antisense RNA 1; plus strand). Cytogenetic location: 7q31.1.
Variant type: single nucleotide variant.
Coding change: c.2945C>T on transcript NM_001363540.2 (MANE Select); coding-DNA position 2945, C replaced by T.
Protein change: p.Thr982Ile; replaces threonine 982 with isoleucine.
Molecular consequence: missense variant.
Genome position (GRCh38, 1-based): chr7:111,811,935, G>A on the plus strand (C>T on the coding strand, the complement: DOCK4 is on the minus strand). VCF-style: chr7-111811935-G-A. GRCh37 (hg19) VCF-style: chr7-111451991-G-A.
Other names: c.2945C>T, p.Thr982Ile (NM_014705.4); short protein forms T982I.
Identifiers: ClinVar variation 2627575 (VCV002627575.2), dbSNP rs2536798545, ClinGen allele CA368962800.